The following is an entry in ClinVar:

NM_002558.4(P2RX1):c.1110C>T (p.Tyr370=)

Gene: P2RX1 (purinergic receptor P2X 1; minus strand). Cytogenetic location: 17p13.2.
Variant type: single nucleotide variant.
Coding change: c.1110C>T on transcript NM_002558.4 (MANE Select); coding-DNA position 1110, C replaced by T.
Protein change: p.Tyr370=; no amino-acid change (tyrosine 370 retained).
Molecular consequence: synonymous variant.
Genome position (GRCh38, 1-based): chr17:3,898,033, G>A on the plus strand (C>T on the coding strand, the complement: P2RX1 is on the minus strand). VCF-style: chr17-3898033-G-A. GRCh37 (hg19) VCF-style: chr17-3801327-G-A.
Identifiers: ClinVar variation 787130 (VCV000787130.4), dbSNP rs75887164, ClinGen allele CA8296009.

ClinVar aggregate classification (germline): Benign. Review status: criteria provided, single submitter (1 of 4 stars). 2 submissions from 2 submitters: Benign (1). 1 of the submissions does not count toward it. Last evaluated 2017-08-16.

Conditions:
P2RX1-related disorder. Also called: P2RX1-related condition.

Allele frequency attached by ClinVar (database versions not stated): 1000 Genomes Project 0.00280; gnomAD 0.00339 and 0.00363; ESP Exome Variant Server 0.00346; 1000 Genomes Project 30x 0.00375; TOPMed 0.00386.
gnomAD v4.1: 1,075 of 1,613,580 alleles (0.067%); highest among the groups gnomAD compares: African/African-American, 1.3%; 12 homozygotes.

Submissions (2):

Labcorp Genetics (formerly Invitae), Labcorp
Classification: Benign. Last evaluated: 2017-08-16. Review status: criteria provided, single submitter. Criteria: Invitae Variant Classification Sherloc (09022015). Collection method: clinical testing. Allele origin: germline.

PreventionGenetics, part of Exact Sciences
Classification: Benign for P2RX1-related condition. Last evaluated: 2024-07-03. Review status: no assertion criteria provided. Collection method: clinical testing. Allele origin: germline. Not counted in ClinVar's aggregate classification.
Comment: This variant is classified as benign based on ACMG/AMP sequence variant interpretation guidelines (Richards et al. 2015 PMID: 25741868, with internal and published modifications).